The following is an entry in ClinVar:

ClinVar aggregate classification (germline): Likely pathogenic. Review status: criteria provided, multiple submitters, no conflicts (2 of 4 stars). 2 submissions from 2 submitters: Likely pathogenic (2). Last evaluated 2026-01-15.

Conditions:
Pendred syndrome (PDS). Also called: DEAFNESS WITH GOITER; GOITER-DEAFNESS SYNDROME; HYPOTHYROIDISM, CONGENITAL, DUE TO DYSHORMONOGENESIS, 2B; THYROID DYSHORMONOGENESIS 2B; THYROID HORMONOGENESIS, GENETIC DEFECT IN, 2B; Pendred's syndrome. Identifiers: Orphanet 705, MedGen C0271829, MONDO:0010134, OMIM 274600.
Autosomal recessive nonsyndromic hearing loss 4 (DFNB4). Also called: FOXI1-Related Pendred Syndrome; KCNJ10-Related Pendred Syndrome; DEAFNESS, AUTOSOMAL RECESSIVE 4, WITH ENLARGED VESTIBULAR AQUEDUCT, DIGENIC; NEUROSENSORY NONSYNDROMIC RECESSIVE DEAFNESS 4; Nonsyndromic enlarged vestibular aqueduct (NSEVA); Deafness, autosomal recessive 4, with enlarged vestibular aqueduct. Identifiers: Orphanet 90636, MedGen C3538946, MONDO:0010933, OMIM 600791.

Submissions (2):

Department of Otolaryngology-Head and Neck Surgery, Shanghai Jiao Tong University Affiliated Sixth People’s Hospital
Classification: Likely pathogenic for Autosomal recessive nonsyndromic hearing loss 4. Last evaluated: 2026-01-15. Review status: criteria provided, single submitter. Criteria: ACMG Guidelines, 2015. Collection method: provider interpretation. Allele origin: germline. Inheritance: Autosomal recessive inheritance. Affected: yes. Observed: 1 variant allele, 1 compound heterozygote.
Comment: It has been reported that at least 2 patients carry this variant: 1 patient has another variant that is pathogenic (c. [2006A>T]; [439A>G]); One patient had another variant with unknown clinical significance (c. [2006A>T]; [232T>C]) (PMID: 25372295；PMID: 20483489). 2.PM_supporting: Analysis of ESP database, thousand person database, and gnomAD database shows that the highest population frequency of this variant site is 0. 4.PP3: Multiple tools consistently predict harmful effects（REVEL score ：0.972）. 5.PP4: The phenotype of the proband (bilateral vestibular aqueduct enlargement) is highly consistent with a certain monogenic genetic disease. 6. PM5_supporting: Two missense variants leading to amino acid substitution have been verified as pathogenic or likely pathogenic ( c.2005G>A (p.Asp669Asn) and c.2007C>A (p.Asp669Glu) ). In summary, the variant meets our criteria to be classified as likely pathogenic.

Natera, Inc.
Classification: Likely pathogenic for Pendred syndrome. Last evaluated: 2025-09-24. Review status: criteria provided, single submitter. Criteria: Natera Variant Classification Schema (03/2026). Collection method: clinical testing. Allele origin: germline.
Comment: The c.2006A>T variant in SLC26A4 is a missense variant predicted to cause substitution of aspartic acid to valine at amino acid 669. This variant is rare in the general population with a frequency below the threshold expected for the associated phenotype(s). This variant has been observed in one or more individuals affected with the associated recessive disease, as either homozygous or compound heterozygous with a second variant (PMID: 25372295). A different variant at the same position has been determined to be Pathogenic or Likely Pathogenic. Computational prediction algorithms indicate this variant is likely to affect gene or protein function. Given the available evidence, this variant is classified as Likely Pathogenic.

Literature cited by the submitters: PubMed 25372295 (cited by Department of Otolaryngology-Head and Neck Surgery, Shanghai Jiao Tong University Affiliated Sixth People’s Hospital and Natera, Inc.); PubMed 20483489 (cited by Department of Otolaryngology-Head and Neck Surgery, Shanghai Jiao Tong University Affiliated Sixth People’s Hospital).

NM_000441.2(SLC26A4):c.2006A>T (p.Asp669Val)

Gene: SLC26A4 (solute carrier family 26 member 4; plus strand). Cytogenetic location: 7q22.3.
Variant type: single nucleotide variant.
Coding change: c.2006A>T on transcript NM_000441.2 (MANE Select); coding-DNA position 2006, A replaced by T.
Protein change: p.Asp669Val; replaces aspartic acid 669 with valine.
Molecular consequence: missense variant.
Genome position (GRCh38, 1-based): chr7:107,702,029, A>T. VCF-style: chr7-107702029-A-T. GRCh37 (hg19) VCF-style: chr7-107342474-A-T.
Other names: c.2006A>T (NM_000441.1); short protein forms D669V.
Identifiers: ClinVar variation 4686660 (VCV004686660.3).